The following is an entry in ClinVar:

ClinVar aggregate classification (germline): Uncertain significance. Review status: criteria provided, multiple submitters, no conflicts (2 of 4 stars). 2 submissions from 2 submitters: Uncertain significance (2). Last evaluated 2023-08-11.

Conditions:
Hereditary cancer-predisposing syndrome. Also called: Neoplastic Syndromes, Hereditary; Hereditary Cancer Syndrome; Hereditary neoplastic syndrome; Tumor predisposition. Identifiers: Orphanet 140162, MedGen C0027672, MeSH D009386, MONDO:0015356.
Parathyroid carcinoma (PRTC). Also called: CDC73-Related Parathyroid Carcinoma; Parathyroid gland carcinoma. Identifiers: Orphanet 143, MedGen C0687150, MONDO:0012004, OMIM 608266, HP:0006780.

Submissions (2):

Ambry Genetics
Classification: Uncertain significance for Hereditary cancer-predisposing syndrome. Last evaluated: 2023-08-11. Review status: criteria provided, single submitter. Criteria: Ambry Variant Classification Scheme 2023. Collection method: clinical testing. Allele origin: germline.
Comment: The p.S226G variant (also known as c.676A>G), located in coding exon 7 of the CDC73 gene, results from an A to G substitution at nucleotide position 676. The serine at codon 226 is replaced by glycine, an amino acid with similar properties. This amino acid position is conserved. In addition, the in silico prediction for this alteration is inconclusive. Since supporting evidence is limited at this time, the clinical significance of this alteration remains unclear.

Labcorp Genetics (formerly Invitae), Labcorp
Classification: Uncertain significance for Parathyroid carcinoma. Last evaluated: 2021-03-23. Review status: criteria provided, single submitter. Criteria: Invitae Variant Classification Sherloc (09022015). Collection method: clinical testing. Allele origin: germline.
Comment: In summary, the available evidence is currently insufficient to determine the role of this variant in disease. Therefore, it has been classified as a Variant of Uncertain Significance. Algorithms developed to predict the effect of missense changes on protein structure and function (SIFT, PolyPhen-2, Align-GVGD) all suggest that this variant is likely to be tolerated, but these predictions have not been confirmed by published functional studies and their clinical significance is uncertain. This variant has not been reported in the literature in individuals with CDC73-related conditions. This variant is not present in population databases (ExAC no frequency). This sequence change replaces serine with glycine at codon 226 of the CDC73 protein (p.Ser226Gly). The serine residue is highly conserved and there is a small physicochemical difference between serine and glycine.

NM_024529.5(CDC73):c.676A>G (p.Ser226Gly)

Gene: CDC73 (cell division cycle 73; plus strand). Cytogenetic location: 1q31.2.
Variant type: single nucleotide variant.
Coding change: c.676A>G on transcript NM_024529.5 (MANE Select); coding-DNA position 676, A replaced by G.
Protein change: p.Ser226Gly; replaces serine 226 with glycine.
Molecular consequence: missense variant.
Genome position (GRCh38, 1-based): chr1:193,142,013, A>G. VCF-style: chr1-193142013-A-G. GRCh37 (hg19) VCF-style: chr1-193111143-A-G.
Other names: c.676A>G (NM_024529.4); short protein forms S226G.
Identifiers: ClinVar variation 1437367 (VCV001437367.10), dbSNP rs2103126362, ClinGen allele CA343962739.